The following is an entry in ClinVar:

NM_004369.4(COL6A3):c.7668+95C>G

Gene: COL6A3 (collagen type VI alpha 3 chain; minus strand). Cytogenetic location: 2q37.3.
Variant type: single nucleotide variant.
Coding change: c.7668+95C>G on transcript NM_004369.4 (MANE Select); 95 bases into the intron after coding-DNA position 7668, C replaced by G.
Molecular consequence: intron variant.
Genome position (GRCh38, 1-based): chr2:237,344,255, G>C on the plus strand (C>G on the coding strand, the complement: COL6A3 is on the minus strand). VCF-style: chr2-237344255-G-C. GRCh37 (hg19) VCF-style: chr2-238252898-G-C.
Other names: c.5847+95C>G (NM_057166.5); c.7050+95C>G (NM_057167.4).
Identifiers: ClinVar variation 679557 (VCV000679557.1), dbSNP rs11885964, ClinGen allele CA2187737.

ClinVar aggregate classification (germline): Likely benign (1 of 4 stars; one submission).

Allele frequency attached by ClinVar (database versions not stated): TOPMed 0.00980; 1000 Genomes Project 0.01158; 1000 Genomes Project 30x 0.01312.

Submission:

GeneDx
Classification: Likely benign. Last evaluated: 2018-06-16. Review status: criteria provided, single submitter. Criteria: GeneDx Variant Classification (06012015). Collection method: clinical testing. Allele origin: germline. Affected: yes.
Comment: This variant is considered likely benign or benign based on one or more of the following criteria: it is a conservative change, it occurs at a poorly conserved position in the protein, it is predicted to be benign by multiple in silico algorithms, and/or has population frequency not consistent with disease.